The following is an entry in ClinVar:

ClinVar aggregate classification (germline): Likely benign (1 of 4 stars; one submission).

Submission:

GeneDx
Classification: Likely benign. Last evaluated: 2021-04-17. Review status: criteria provided, single submitter. Criteria: GeneDx Variant Classification Process June 2021. Collection method: clinical testing. Allele origin: germline. Affected: yes.
Comment: See Variant Classification Assertion Criteria.

NM_138459.5(NUS1):c.*157TG[5]

Gene: NUS1 (NUS1 dehydrodolichyl diphosphate synthase subunit; plus strand). Cytogenetic location: 6q22.1.
Variant type: Microsatellite.
Coding change: c.*157TG[5] on transcript NM_138459.5 (MANE Select); five copies in a row of the 2-base unit TG starting at c.*157; the reference has six copies in a row; one copy, 2 bases deleted.
Molecular consequence: 3 prime UTR variant.
Genome position (GRCh38, 1-based): chr6:117,707,182-117,707,183, TG deleted; deleting any 2 consecutive bases within chr6:117,707,171-117,707,183 gives the same sequence; the position shown is the placement nearest the transcript's 3' end. VCF-style (leftmost placement, unchanged base first): chr6-117707170-AGT-A. GRCh37 (hg19) VCF-style: chr6-118028333-AGT-A.
Identifiers: ClinVar variation 1695832 (VCV001695832.2), dbSNP rs199562088, ClinGen allele CA146434781.